The following is an entry in ClinVar:

NM_003998.4(NFKB1):c.1636A>G (p.Ser546Gly)

Gene: NFKB1 (nuclear factor kappa B subunit 1; plus strand). Cytogenetic location: 4q24.
Variant type: single nucleotide variant.
Coding change: c.1636A>G on transcript NM_003998.4 (MANE Select); coding-DNA position 1636, A replaced by G.
Protein change: p.Ser546Gly; replaces serine 546 with glycine.
Molecular consequence: missense variant.
Genome position (GRCh38, 1-based): chr4:102,597,660, A>G. VCF-style: chr4-102597660-A-G. GRCh37 (hg19) VCF-style: chr4-103518817-A-G.
Other names: c.1633A>G, p.Ser545Gly (NM_001319226.2, NM_001382627.1, NM_001165412.2); c.1636A>G, p.Ser546Gly (NM_001382625.1, NM_001382626.1); c.1594A>G, p.Ser532Gly (NM_001382628.1); short protein forms S532G, S545G, S546G.
Identifiers: ClinVar variation 2782234 (VCV002782234.3), dbSNP rs2476504496, ClinGen allele CA357751539.

ClinVar aggregate classification (germline): Uncertain significance (1 of 4 stars; one submission).

Allele frequency attached by ClinVar (database versions not stated): gnomAD exomes below 0.00001.
gnomAD v4.1: 2 of 1,609,660 alleles (0.00012%); highest among the groups gnomAD compares: Non-Finnish European, 0.000085%; no homozygotes.

Submission:

Labcorp Genetics (formerly Invitae), Labcorp
Classification: Uncertain significance. Last evaluated: 2022-10-31. Review status: criteria provided, single submitter. Criteria: Invitae Variant Classification Sherloc (09022015). Collection method: clinical testing. Allele origin: germline.
Comment: This variant has not been reported in the literature in individuals affected with NFKB1-related conditions. In summary, the available evidence is currently insufficient to determine the role of this variant in disease. Therefore, it has been classified as a Variant of Uncertain Significance. Algorithms developed to predict the effect of missense changes on protein structure and function (SIFT, PolyPhen-2, Align-GVGD) all suggest that this variant is likely to be tolerated. This variant is not present in population databases (gnomAD no frequency). This sequence change replaces serine, which is neutral and polar, with glycine, which is neutral and non-polar, at codon 546 of the NFKB1 protein (p.Ser546Gly).